The following is an entry in ClinVar:

ClinVar aggregate classification (germline): Uncertain significance (1 of 4 stars; one submission).

Submission:

Ambry Genetics
Classification: Uncertain significance. Last evaluated: 2021-06-13. Review status: criteria provided, single submitter. Criteria: Ambry Variant Classification Scheme 2023. Collection method: clinical testing. Allele origin: germline.
Comment: The p.V386A variant (also known as c.1157T>C), located in coding exon 12 of the PRKDC gene, results from a T to C substitution at nucleotide position 1157. The valine at codon 386 is replaced by alanine, an amino acid with similar properties. This amino acid position is conserved. In addition, this alteration is predicted to be tolerated by in silico analysis. Since supporting evidence is limited at this time, the clinical significance of this alteration remains unclear.

NM_006904.7(PRKDC):c.1157T>C (p.Val386Ala)

Gene: PRKDC (protein kinase, DNA-activated, catalytic subunit; minus strand). Cytogenetic location: 8q11.21.
Variant type: single nucleotide variant.
Coding change: c.1157T>C on transcript NM_006904.7 (MANE Select); coding-DNA position 1157, T replaced by C.
Protein change: p.Val386Ala; replaces valine 386 with alanine.
Molecular consequence: missense variant.
Genome position (GRCh38, 1-based): chr8:47,936,474, A>G on the plus strand (T>C on the coding strand, the complement: PRKDC is on the minus strand). VCF-style: chr8-47936474-A-G. GRCh37 (hg19) VCF-style: chr8-48849034-A-G.
Other names: c.1157T>C, p.Val386Ala (NM_001081640.2); short protein forms V386A.
Identifiers: ClinVar variation 1735680 (VCV001735680.2), dbSNP rs2551879743, ClinGen allele CA371166305.